The following is an entry in ClinVar:

NM_024490.4(ATP10A):c.571G>A (p.Gly191Arg)

Gene: ATP10A (ATPase phospholipid transporting 10A (putative); minus strand). Cytogenetic location: 15q12.
Variant type: single nucleotide variant.
Coding change: c.571G>A on transcript NM_024490.4 (MANE Select); coding-DNA position 571, G replaced by A.
Protein change: p.Gly191Arg; replaces glycine 191 with arginine.
Molecular consequence: missense variant.
Genome position (GRCh38, 1-based): chr15:25,781,102, C>T on the plus strand (G>A on the coding strand, the complement: ATP10A is on the minus strand). VCF-style: chr15-25781102-C-T. GRCh37 (hg19) VCF-style: chr15-26026249-C-T.
Other names: short protein forms G191R.
Identifiers: ClinVar variation 771754 (VCV000771754.6), dbSNP rs78266472, ClinGen allele CA7437141.

ClinVar aggregate classification (germline): Likely benign. Review status: criteria provided, single submitter (1 of 4 stars). 2 submissions from 2 submitters: Likely benign (1). 1 of the submissions does not count toward it. Last evaluated 2019-12-31.

Conditions:
ATP10A-related disorder. Also called: ATP10A-related condition.

Allele frequency attached by ClinVar (database versions not stated): 1000 Genomes Project 0.00240; 1000 Genomes Project 30x 0.00281; ESP Exome Variant Server 0.00515; ExAC 0.00535; gnomAD exomes 0.00572 and 0.00761; TOPMed 0.00574; gnomAD 0.00591 and 0.00614.

Submissions (2):

Labcorp Genetics (formerly Invitae), Labcorp
Classification: Likely benign. Last evaluated: 2019-12-31. Review status: criteria provided, single submitter. Criteria: Invitae Variant Classification Sherloc (09022015). Collection method: clinical testing. Allele origin: germline.

PreventionGenetics, part of Exact Sciences
Classification: Benign for ATP10A-related condition. Last evaluated: 2019-06-14. Review status: no assertion criteria provided. Collection method: clinical testing. Allele origin: germline. Not counted in ClinVar's aggregate classification.
Comment: This variant is classified as benign based on ACMG/AMP sequence variant interpretation guidelines (Richards et al. 2015 PMID: 25741868, with internal and published modifications).